The following is an entry in ClinVar:

ClinVar aggregate classification (germline): Uncertain significance. Review status: criteria provided, multiple submitters, no conflicts (2 of 4 stars). 2 submissions from 2 submitters: Uncertain significance (2). Last evaluated 2025-06-24.

Conditions:
Cardiovascular phenotype. Identifiers: MedGen CN230736.

Submissions (2):

Ambry Genetics
Classification: Uncertain significance for Cardiovascular phenotype. Last evaluated: 2025-06-24. Review status: criteria provided, single submitter. Criteria: Ambry Variant Classification Scheme 2023. Collection method: clinical testing. Allele origin: germline.
Comment: The p.L369P variant (also known as c.1106T>C), located in coding exon 7 of the CACNA1C gene, results from a T to C substitution at nucleotide position 1106. The leucine at codon 369 is replaced by proline, an amino acid with similar properties. This amino acid position is highly conserved in available vertebrate species. In addition, this alteration is predicted to be deleterious by in silico analysis. Based on the available evidence, the clinical significance of this variant remains unclear.

Blueprint Genetics
Classification: Uncertain significance. Last evaluated: 2017-06-28. Review status: criteria provided, single submitter. Criteria: ACMG Guidelines, 2015. Collection method: clinical testing. Allele origin: germline.

NM_000719.7(CACNA1C):c.1106T>C (p.Leu369Pro)

Gene: CACNA1C (calcium voltage-gated channel subunit alpha1 C; plus strand). Cytogenetic location: 12p13.33.
Variant type: single nucleotide variant.
Coding change: c.1106T>C on transcript NM_000719.7 (MANE Select); coding-DNA position 1106, T replaced by C.
Protein change: p.Leu369Pro; replaces leucine 369 with proline.
Molecular consequence: missense variant.
Genome position (GRCh38, 1-based): chr12:2,493,379, T>C. VCF-style: chr12-2493379-T-C. GRCh37 (hg19) VCF-style: chr12-2602545-T-C.
Other names: c.1106T>C, p.Leu369Pro (NM_001129827.2, NM_001129829.2, NM_001129830.3 and 18 more transcripts); c.1097T>C, p.Leu366Pro (NM_001129844.2); short protein forms L366P, L369P.
Identifiers: ClinVar variation 4217771 (VCV004217771.2).